The following is an entry in ClinVar:

ClinVar aggregate classification (germline): Conflicting classifications of pathogenicity. Review status: criteria provided, conflicting classifications (1 of 4 stars). 5 submissions from 5 submitters: Uncertain significance (3); Benign (2). Last evaluated 2025-10-21.

Conditions:
Hereditary cancer-predisposing syndrome. Also called: Neoplastic Syndromes, Hereditary; Tumor predisposition; Hereditary Cancer Syndrome; Hereditary neoplastic syndrome. Identifiers: Orphanet 140162, MedGen C0027672, MeSH D009386, MONDO:0015356.
Malignant tumor of urinary bladder. Also called: Urinary Bladder Neoplasms; Bladder cancer; Urinary bladder cancer. Identifiers: MedGen C0005684, MONDO:0001187, OMIM 109800.
Small cell lung carcinoma. Also called: Lung oat cell carcinoma; Small cell lung cancer; SMALL CELL CANCER OF THE LUNG, SOMATIC. Identifiers: Orphanet 70573, MedGen C0149925, MeSH D055752, MONDO:0008433, OMIM 182280, HP:0030357.
Retinoblastoma (RB1). Also called: RETINOBLASTOMA, SOMATIC. Identifiers: Orphanet 790, MedGen C0035335, MeSH D012175, MONDO:0008380, OMIM 180200, HP:0009919. Disease mechanism: loss of function. Inheritance: Both sporadic and heritable forms are tested..
Bone osteosarcoma. Also called: Osteosarcoma, somatic. Identifiers: Orphanet 668, MedGen C0585442, MONDO:0002629, OMIM 259500.

Allele frequency attached by ClinVar (database versions not stated): gnomAD exomes below 0.00001 and 0.00001; TOPMed below 0.00001; gnomAD 0.00001; ExAC 0.00002; 1000 Genomes Project 30x 0.00016; 1000 Genomes Project 0.00020.
gnomAD v4.1: 4 of 1,584,400 alleles (0.00025%); highest among the groups gnomAD compares: Admixed American, 0.005%; no homozygotes.

Submissions (5):

Labcorp Genetics (formerly Invitae), Labcorp
Classification: Benign for Retinoblastoma. Last evaluated: 2025-10-21. Review status: criteria provided, single submitter. Criteria: Invitae Variant Classification Sherloc (09022015). Collection method: clinical testing. Allele origin: germline.

Ambry Genetics
Classification: Benign for Hereditary cancer-predisposing syndrome. Last evaluated: 2024-04-27. Review status: criteria provided, single submitter. Criteria: Ambry Variant Classification Scheme 2023. Collection method: clinical testing. Allele origin: germline.

GeneDx
Classification: Uncertain significance. Last evaluated: 2024-01-22. Review status: criteria provided, single submitter. Criteria: GeneDx Variant Classification Process June 2021. Collection method: clinical testing. Allele origin: germline. Affected: yes.
Comment: Not observed at significant frequency in large population cohorts (gnomAD); In silico analysis supports that this missense variant does not alter protein structure/function; Has not been previously published as pathogenic or benign to our knowledge; This variant is associated with the following publications: (PMID: 23516486)

Baylor Genetics
Classification: Uncertain significance for Malignant tumor of urinary bladder. Last evaluated: 2023-06-30. Review status: criteria provided, single submitter. Criteria: ACMG Guidelines, 2015. Collection method: clinical testing. Allele origin: unknown.

Fulgent Genetics
Classification: Uncertain significance for Malignant tumor of urinary bladder; Retinoblastoma; Small cell lung carcinoma; Bone osteosarcoma. Last evaluated: 2018-10-31. Review status: criteria provided, single submitter. Criteria: ACMG Guidelines, 2015. Collection method: clinical testing. Allele origin: unknown.

NM_000321.3(RB1):c.269G>T (p.Gly90Val)

Gene: RB1 (RB transcriptional corepressor 1; plus strand). Cytogenetic location: 13q14.2.
Variant type: single nucleotide variant.
Coding change: c.269G>T on transcript NM_000321.3 (MANE Select); coding-DNA position 269, G replaced by T.
Protein change: p.Gly90Val; replaces glycine 90 with valine.
Molecular consequence: missense variant.
Genome position (GRCh38, 1-based): chr13:48,342,603, G>T. VCF-style: chr13-48342603-G-T. GRCh37 (hg19) VCF-style: chr13-48916739-G-T.
Other names: short protein forms G90V.
Identifiers: ClinVar variation 458158 (VCV000458158.18), dbSNP rs554727080, ClinGen allele CA037060.